The following is an entry in ClinVar:

ClinVar aggregate classification (germline): Likely pathogenic (1 of 4 stars; one submission).

Allele frequency attached by ClinVar (database versions not stated): gnomAD exomes below 0.00001.
gnomAD v4.1: 1 of 1,604,248 alleles (0.000062%); no homozygotes.

Submission:

Labcorp Genetics (formerly Invitae), Labcorp
Classification: Likely pathogenic. Last evaluated: 2019-11-27. Review status: criteria provided, single submitter. Criteria: Invitae Variant Classification Sherloc (09022015). Collection method: clinical testing. Allele origin: germline.
Comment: In summary, the currently available evidence indicates that the variant is pathogenic, but additional data are needed to prove that conclusively. Therefore, this variant has been classified as Likely Pathogenic. Donor and acceptor splice site variants typically lead to a loss of protein function (PMID: 16199547), and loss-of-function variants in CABP4 are known to be pathogenic (PMID: 25307992). This variant has not been reported in the literature in individuals with CABP4-related conditions. This variant is not present in population databases (ExAC no frequency). This sequence change affects an acceptor splice site in intron 4 of the CABP4 gene. It is expected to disrupt RNA splicing and likely results in an absent or disrupted protein product.

Literature cited by the submitters: PubMed 16199547; PubMed 25307992.

NM_145200.5(CABP4):c.652-2A>G

Gene: CABP4 (calcium binding protein 4; plus strand). Cytogenetic location: 11q13.2.
Variant type: single nucleotide variant.
Coding change: c.652-2A>G on transcript NM_145200.5 (MANE Select); the canonical splice acceptor site of the intron before coding-DNA position 652, A replaced by G.
Molecular consequence: splice acceptor variant.
Genome position (GRCh38, 1-based): chr11:67,458,369, A>G. VCF-style: chr11-67458369-A-G. GRCh37 (hg19) VCF-style: chr11-67225840-A-G.
Other names: c.337-2A>G (NM_001379183.1, NM_001300896.3, NM_001300895.3).
Identifiers: ClinVar variation 838524 (VCV000838524.8), dbSNP rs1414345811, ClinGen allele CA381532962.